The following is an entry in ClinVar:

ClinVar aggregate classification (germline): Uncertain significance (1 of 4 stars; one submission).

Conditions:
Metachromatic leukodystrophy (MLD). Also called: CEREBROSIDE SULFATASE DEFICIENCY; METACHROMATIC LEUKOENCEPHALOPATHY; SULFATIDE LIPIDOSIS; ARSA DEFICIENCY; Cerebral sclerosis diffuse metachromatic form; Arylsulfatase A Deficiency. Identifiers: Orphanet 512, MedGen C0023522, MONDO:0018868, OMIM 250100.

Allele frequency attached by ClinVar (database versions not stated): TOPMed below 0.00001; gnomAD exomes 0.00001.
gnomAD v4.1: 10 of 1,611,964 alleles (0.00062%); highest among the groups gnomAD compares: Middle Eastern, 0.017%; no homozygotes.

Submission:

Labcorp Genetics (formerly Invitae), Labcorp
Classification: Uncertain significance for Metachromatic leukodystrophy. Last evaluated: 2021-09-17. Review status: criteria provided, single submitter. Criteria: Invitae Variant Classification Sherloc (09022015). Collection method: clinical testing. Allele origin: germline.
Comment: This sequence change replaces glycine with serine at codon 475 of the ARSA protein (p.Gly475Ser). The glycine residue is moderately conserved and there is a small physicochemical difference between glycine and serine. This variant is not present in population databases (ExAC no frequency). This variant has not been reported in the literature in individuals with ARSA-related conditions. Algorithms developed to predict the effect of missense changes on protein structure and function output the following: SIFT: "Tolerated"; PolyPhen-2: "Benign"; Align-GVGD: "Class C0". The serine amino acid residue is found in multiple mammalian species, suggesting that this missense change does not adversely affect protein function. These predictions have not been confirmed by published functional studies and their clinical significance is uncertain. Algorithms developed to predict the effect of sequence changes on RNA splicing suggest that this variant may create or strengthen a splice site, but this prediction has not been confirmed by published transcriptional studies. In summary, the available evidence is currently insufficient to determine the role of this variant in disease. Therefore, it has been classified as a Variant of Uncertain Significance.

NM_000487.6(ARSA):c.1423G>A (p.Gly475Ser)

Gene: ARSA (arylsulfatase A; minus strand). Cytogenetic location: 22q13.33.
Variant type: single nucleotide variant.
Coding change: c.1423G>A on transcript NM_000487.6 (MANE Select); coding-DNA position 1423, G replaced by A.
Protein change: p.Gly475Ser; replaces glycine 475 with serine.
Molecular consequence: missense variant.
Genome position (GRCh38, 1-based): chr22:50,625,252, C>T on the plus strand (G>A on the coding strand, the complement: ARSA is on the minus strand). VCF-style: chr22-50625252-C-T. GRCh37 (hg19) VCF-style: chr22-51063680-C-T.
Other names: c.1423G>A, p.Gly475Ser (NM_001085425.3, NM_001085426.3, NM_001085427.3); c.1165G>A, p.Gly389Ser (NM_001085428.3, NM_001362782.2); short protein forms G389S, G475S.
Identifiers: ClinVar variation 1445850 (VCV001445850.7), dbSNP rs1017776709, ClinGen allele CA412167691.